The following is an entry in ClinVar:

ClinVar aggregate classification (germline): Benign. Review status: criteria provided, multiple submitters, no conflicts (2 of 4 stars). 3 submissions from 3 submitters: Benign (3). Last evaluated 2026-01-17.

Allele frequency attached by ClinVar (database versions not stated): gnomAD exomes 0.00068 and 0.00184; ExAC 0.00199; gnomAD 0.00656 and 0.00696; ESP Exome Variant Server 0.00738; TOPMed 0.00757; 1000 Genomes Project 0.00978; 1000 Genomes Project 30x 0.01031.
gnomAD v4.1: 2,058 of 1,613,740 alleles (0.13%); highest among the groups gnomAD compares: African/African-American, 2.3%; 20 homozygotes.

Submissions (3):

Labcorp Genetics (formerly Invitae), Labcorp
Classification: Benign. Last evaluated: 2026-01-17. Review status: criteria provided, single submitter. Criteria: Invitae Variant Classification Sherloc (09022015). Collection method: clinical testing. Allele origin: germline.

Mayo Clinic Laboratories, Mayo Clinic
Classification: Benign. Last evaluated: 2023-10-18. Review status: criteria provided, single submitter. Criteria: ACMG Guidelines, 2015. Collection method: clinical testing. Allele origin: germline. Observed: 5 variant alleles.
Comment: BS1, BP4, BP7

Genetic Services Laboratory, University of Chicago
Classification: Benign. Last evaluated: 2019-05-31. Review status: criteria provided, single submitter. Criteria: ACMG Guidelines, 2015. Collection method: clinical testing. Allele origin: germline. Affected: no.

NM_001130004.2(ACTN1):c.676+6A>G

Gene: ACTN1 (actinin alpha 1; minus strand). Cytogenetic location: 14q24.1.
Variant type: single nucleotide variant.
Coding change: c.676+6A>G on transcript NM_001130004.2 (MANE Select); 6 bases into the intron after coding-DNA position 676, A replaced by G.
Molecular consequence: intron variant.
Genome position (GRCh38, 1-based): chr14:68,904,649, T>C on the plus strand (A>G on the coding strand, the complement: ACTN1 is on the minus strand). VCF-style: chr14-68904649-T-C. GRCh37 (hg19) VCF-style: chr14-69371366-T-C.
Other names: p.?; c.676+6A>G (NM_001130005.2, NM_001102.4).
Identifiers: ClinVar variation 781287 (VCV000781287.13), dbSNP rs147440695, ClinGen allele CA7242623.